The following is an entry in ClinVar:

NM_206809.4(MOG):c.730+147_730+149del

Gene: MOG (myelin oligodendrocyte glycoprotein; plus strand). Cytogenetic location: 6p22.1.
Variant type: Microsatellite.
Coding change: c.730+147_730+149del on transcript NM_206809.4 (MANE Select); bases 147 to 149 of the intron after coding-DNA position 730, 3 bases deleted (CCT; older notation c.730+147_730+149delCCT).
Molecular consequence: intron variant.
Genome position (GRCh38, 1-based): chr6:29,670,868-29,670,870, CCT deleted; deleting any 3 consecutive bases within chr6:29,670,863-29,670,870 gives the same sequence; the c. name uses the placement nearest the transcript's 3' end. VCF-style (leftmost placement, unchanged base first): chr6-29670862-ACTC-A. GRCh37 (hg19) VCF-style: chr6-29638639-ACTC-A.
Other names: c.874CCT[1], p.Pro293del (NM_001363610.2); c.661+147_661+149del (NM_001008228.3, NM_206811.4); c.730+147_730+149del (NM_002433.5); c.613+147_613+149del (NM_206812.4, NM_206810.4); c.593-554_593-552del (NM_001008229.3); c.313+147_313+149del (NM_001170418.2); c.382+147_382+149del (NM_206814.6); short protein forms P293del.
Identifiers: ClinVar variation 3048015 (VCV003048015.3), dbSNP rs537236203, ClinGen allele CA3690598.
Genomic context (GRCh38, chr6:29,670,862, plus strand): 5'-CTATTGAGGGATCACATTCCCAGAGGAAAGGAGGAGCTGGAGAGCCTGGGTGGAGGGAAG[ACTC>A]CTCCTGGGAGGTAGAGGGCAAAGAAGCCAGCTGTTAGAGACACATTTACAGGTGGCAGAG-3'

ClinVar aggregate classification (germline): Likely benign. Review status: criteria provided, single submitter (1 of 4 stars). 2 submissions from 2 submitters: Likely benign (1). 1 of the submissions does not count toward it. Last evaluated 2023-03-08.

Conditions:
MOG-related disorder. Also called: MOG-related condition.

Submissions (2):

Blueprint Genetics
Classification: Likely benign. Last evaluated: 2023-03-08. Review status: criteria provided, single submitter. Criteria: ACMG Guidelines, 2015. Collection method: clinical testing. Allele origin: germline.

PreventionGenetics, part of Exact Sciences
Classification: Benign for MOG-related condition. Last evaluated: 2020-04-21. Review status: no assertion criteria provided. Collection method: clinical testing. Allele origin: germline. Not counted in ClinVar's aggregate classification.
Comment: This variant is classified as benign based on ACMG/AMP sequence variant interpretation guidelines (Richards et al. 2015 PMID: 25741868, with internal and published modifications).